The following is an entry in ClinVar:

ClinVar aggregate classification (germline): Uncertain significance (1 of 4 stars; one submission).

Conditions:
Joubert syndrome. Also called: CEREBELLOPARENCHYMAL DISORDER IV; JOUBERT-BOLTSHAUSER SYNDROME; Familial aplasia of the vermis. Identifiers: Orphanet 475, MedGen C5979921, MONDO:0018772.

Submission:

Labcorp Genetics (formerly Invitae), Labcorp
Classification: Uncertain significance for Joubert syndrome. Last evaluated: 2023-10-22. Review status: criteria provided, single submitter. Criteria: Invitae Variant Classification Sherloc (09022015). Collection method: clinical testing. Allele origin: germline.
Comment: This sequence change replaces glycine, which is neutral and non-polar, with arginine, which is basic and polar, at codon 152 of the INPP5E protein (p.Gly152Arg). This variant is not present in population databases (gnomAD no frequency). This variant has not been reported in the literature in individuals affected with INPP5E-related conditions. Advanced modeling of protein sequence and biophysical properties (such as structural, functional, and spatial information, amino acid conservation, physicochemical variation, residue mobility, and thermodynamic stability) performed at Invitae indicates that this missense variant is not expected to disrupt INPP5E protein function. In summary, the available evidence is currently insufficient to determine the role of this variant in disease. Therefore, it has been classified as a Variant of Uncertain Significance.

NM_019892.6(INPP5E):c.454G>A (p.Gly152Arg)

Gene: INPP5E (inositol polyphosphate-5-phosphatase E; minus strand). Cytogenetic location: 9q34.3.
Variant type: single nucleotide variant.
Coding change: c.454G>A on transcript NM_019892.6 (MANE Select); coding-DNA position 454, G replaced by A.
Protein change: p.Gly152Arg; replaces glycine 152 with arginine.
Molecular consequence: missense variant.
Genome position (GRCh38, 1-based): chr9:136,438,966, C>T on the plus strand (G>A on the coding strand, the complement: INPP5E is on the minus strand). VCF-style: chr9-136438966-C-T. GRCh37 (hg19) VCF-style: chr9-139333418-C-T.
Other names: c.454G>A, p.Gly152Arg (NM_001318502.2); short protein forms G152R.
Identifiers: ClinVar variation 2771030 (VCV002771030.3), dbSNP rs2538893757, ClinGen allele CA375568855.